The following is an entry in ClinVar:

NM_002473.6(MYH9):c.2568G>T (p.Lys856Asn)

Gene: MYH9 (myosin heavy chain 9; minus strand). Cytogenetic location: 22q12.3.
Variant type: single nucleotide variant.
Coding change: c.2568G>T on transcript NM_002473.6 (MANE Select); coding-DNA position 2568, G replaced by T.
Protein change: p.Lys856Asn; replaces lysine 856 with asparagine.
Molecular consequence: missense variant.
Genome position (GRCh38, 1-based): chr22:36,301,597, C>A on the plus strand (G>T on the coding strand, the complement: MYH9 is on the minus strand). VCF-style: chr22-36301597-C-A. GRCh37 (hg19) VCF-style: chr22-36697643-C-A.
Other names: short protein forms K856N.
Identifiers: ClinVar variation 4763481 (VCV004763481.1).

ClinVar aggregate classification (germline): Uncertain significance (1 of 4 stars; one submission).

Submission:

Labcorp Genetics (formerly Invitae), Labcorp
Classification: Uncertain significance. Last evaluated: 2025-06-01. Review status: criteria provided, single submitter. Criteria: Invitae Variant Classification Sherloc (09022015). Collection method: clinical testing. Allele origin: germline.
Comment: This sequence change replaces lysine, which is basic and polar, with asparagine, which is neutral and polar, at codon 856 of the MYH9 protein (p.Lys856Asn). This variant is not present in population databases (gnomAD no frequency). This variant has not been reported in the literature in individuals affected with MYH9-related conditions. Invitae Evidence Modeling of protein sequence and biophysical properties (such as structural, functional, and spatial information, amino acid conservation, physicochemical variation, residue mobility, and thermodynamic stability) indicates that this missense variant is not expected to disrupt MYH9 protein function with a negative predictive value of 80%. In summary, the available evidence is currently insufficient to determine the role of this variant in disease. Therefore, it has been classified as a Variant of Uncertain Significance.